The following is an entry in ClinVar:

NM_001267550.2(TTN):c.80417A>G (p.His26806Arg)

Genes: TTN-AS1 (TTN antisense RNA 1; plus strand), TTN (titin; minus strand). Cytogenetic location: 2q31.2.
Variant type: single nucleotide variant.
Coding change: c.80417A>G on transcript NM_001267550.2 (MANE Select); coding-DNA position 80417, A replaced by G.
Protein change: p.His26806Arg; replaces histidine 26806 with arginine.
Molecular consequence: missense variant.
Genome position (GRCh38, 1-based): chr2:178,565,715, T>C on the plus strand (A>G on the coding strand, the complement: TTN is on the minus strand). VCF-style: chr2-178565715-T-C. GRCh37 (hg19) VCF-style: chr2-179430442-T-C.
Other names: c.75494A>G, p.His25165Arg (NM_001256850.1); c.53222A>G, p.His17741Arg (NM_003319.4); c.72713A>G, p.His24238Arg (NM_133378.4); c.53597A>G, p.His17866Arg (NM_133432.3); c.53798A>G, p.His17933Arg (NM_133437.4); short protein forms H17741R, H17866R, H17933R, H24238R, H25165R, H26806R.
Identifiers: ClinVar variation 805728 (VCV000805728.19), dbSNP rs181766682, ClinGen allele CA1989350.

ClinVar aggregate classification (germline): Conflicting classifications of pathogenicity. Review status: criteria provided, conflicting classifications (1 of 4 stars). 8 submissions from 8 submitters: Uncertain significance (3); Likely benign (5). Last evaluated 2026-05-27.

Conditions:
Cardiovascular phenotype. Identifiers: MedGen CN230736.
TTN-related disorder. Also called: TTN-related disorders; TTN-related condition; TTN-related disease.

Allele frequency attached by ClinVar (database versions not stated): gnomAD exomes 0.00002 and 0.00004; ExAC 0.00008; gnomAD 0.00016 and 0.00017; TOPMed 0.00019; ESP Exome Variant Server 0.00032; 1000 Genomes Project 30x 0.00062; 1000 Genomes Project 0.00080.
gnomAD v4.1: 61 of 1,613,640 alleles (0.0038%); highest among the groups gnomAD compares: African/African-American, 0.075%; 1 homozygote.

Submissions (8):

Women's Health and Genetics/Laboratory Corporation of America, LabCorp
Classification: Likely benign. Last evaluated: 2026-05-27. Review status: criteria provided, single submitter. Criteria: LabCorp Variant Classification Summary - May 2015. Collection method: clinical testing. Allele origin: germline.
Comment: Variant summary: TTN c.72713A>G (p.His24238Arg) results in a non-conservative amino acid change in the encoded protein sequence. Algorithms developed to predict the effect of missense changes on protein structure and function are either unavailable or do not agree on the potential impact of this missense change. The variant allele was found at a frequency of 4.4e-05 in 248232 control chromosomes, predominantly at a frequency of 0.00071 within the African or African-American subpopulation in the gnomAD database. The observed variant frequency within African or African-American control individuals in the gnomAD database exceeds the estimated maximal expected allele frequency for disease-causing variants in TTN. c.72713A>G has been observed in one individual affected with Cardiomyopathy, dilated (Mazzarotto_2020). These report(s) do not provide unequivocal conclusions about association of the variant with disease. To our knowledge, no experimental evidence demonstrating an impact on protein function has been reported. The following publication have been ascertained in the context of this evaluation (PMID: 31983221). ClinVar contains an entry for this variant (Variation ID: 805728). Based on the evidence outlined above, the variant was classified as likely benign.

PreventionGenetics, part of Exact Sciences
Classification: Uncertain significance for TTN-related condition. Last evaluated: 2026-03-21. Review status: criteria provided, single submitter. Criteria: ACMG Guidelines, 2015. Collection method: clinical testing. Allele origin: germline.
Comment: The TTN c.80417A>G variant is predicted to result in the amino acid substitution p.His26806Arg. This variant has been reported in a cohort study of individuals with dilated cardiomyopathy; it was observed in both the affected cohort and healthy controls (Table S3 and S4, Mazzarotto et al. 2020. PubMed ID: 31983221). This variant is reported in 0.062% of alleles in individuals of African descent in gnomAD. Although we suspect that this variant may be benign, at this time, the clinical significance of this variant is uncertain due to the absence of conclusive functional and genetic evidence.

Molecular Diagnostic Laboratory for Inherited Cardiovascular Disease, Montreal Heart Institute
Classification: Likely benign. Last evaluated: 2025-04-09. Review status: criteria provided, single submitter. Criteria: ACMG Guidelines, 2015. Collection method: clinical testing. Allele origin: germline. Affected: no.

ARUP Laboratories, Molecular Genetics and Genomics, ARUP Laboratories
Classification: Uncertain significance. Last evaluated: 2022-02-08. Review status: criteria provided, single submitter. Criteria: ARUP Molecular Germline Variant Investigation Process 2021. Collection method: clinical testing. Allele origin: germline.
Comment: The TTN c.80417A>G; p.His26806Arg variant (rs181766682; ClinVar Variation ID: 805728) is rare in the general population (<0.2% allele frequency in the Genome Aggregation Database) and has not been reported in the medical literature in association with dilated cardiomyopathy (DCM) or other TTN-related disease. The clinical relevance of rare missense variants in this gene, which are identified on average once per individual sequenced in affected populations (Herman 2012), is not well understood. Yet, evidence suggests that the vast majority of such missense variants do not contribute to the clinical outcome of DCM (Begay 2015). Thus, the clinical significance of the p.His26806Arg variant cannot be determined with certainty.

Revvity Omics, Revvity
Classification: Uncertain significance. Last evaluated: 2020-06-26. Review status: criteria provided, single submitter. Criteria: ACMG Guidelines, 2015. Collection method: clinical testing. Allele origin: germline.

Ambry Genetics
Classification: Likely benign for Cardiovascular phenotype. Last evaluated: 2020-05-12. Review status: criteria provided, single submitter. Criteria: Ambry Variant Classification Scheme 2023. Collection method: clinical testing. Allele origin: germline.

GeneDx
Classification: Likely benign. Last evaluated: 2020-03-31. Review status: criteria provided, single submitter. Criteria: GeneDx Variant Classification Process June 2021. Collection method: clinical testing. Allele origin: germline. Affected: yes.
Comment: This variant is associated with the following publications: (PMID: 31983221)

Athena Diagnostics
Classification: Likely benign. Last evaluated: 2018-11-14. Review status: criteria provided, single submitter. Criteria: Athena Diagnostics Criteria. Collection method: clinical testing. Allele origin: germline.

Literature cited by the submitters: PubMed 31983221 (cited by Women's Health and Genetics/Laboratory Corporation of America, LabCorp).